The following is an entry in ClinVar:

NM_000395.3(CSF2RB):c.1411C>T (p.Arg471Cys)

Gene: CSF2RB (colony stimulating factor 2 receptor subunit beta; plus strand). Cytogenetic location: 22q12.3.
Variant type: single nucleotide variant.
Coding change: c.1411C>T on transcript NM_000395.3 (MANE Select); coding-DNA position 1411, C replaced by T.
Protein change: p.Arg471Cys; replaces arginine 471 with cysteine.
Molecular consequence: missense variant.
Genome position (GRCh38, 1-based): chr22:36,935,634, C>T. VCF-style: chr22-36935634-C-T. GRCh37 (hg19) VCF-style: chr22-37331676-C-T.
Other names: c.1411C>T (NM_000395.2); short protein forms R471C.
Identifiers: ClinVar variation 1165884 (VCV001165884.10), dbSNP rs200069235, ClinGen allele CA10213845.

ClinVar aggregate classification (germline): Benign. Review status: criteria provided, single submitter (1 of 4 stars). 2 submissions from 2 submitters: Benign (1). 1 of the submissions does not count toward it. Last evaluated 2026-01-06.

Conditions:
CSF2RB-related disorder. Also called: CSF2RB-related condition.

Allele frequency attached by ClinVar (database versions not stated): gnomAD 0.00003 and 0.00062; TOPMed 0.00016; gnomAD exomes 0.00223; ExAC 0.00260; 1000 Genomes Project 30x 0.00484; 1000 Genomes Project 0.00519.
gnomAD v4.1: 1,741 of 1,614,168 alleles (0.11%); highest among the groups gnomAD compares: South Asian, 1.8%; 27 homozygotes.

Submissions (2):

Labcorp Genetics (formerly Invitae), Labcorp
Classification: Benign. Last evaluated: 2026-01-06. Review status: criteria provided, single submitter. Criteria: Invitae Variant Classification Sherloc (09022015). Collection method: clinical testing. Allele origin: germline.

PreventionGenetics, part of Exact Sciences
Classification: Benign for CSF2RB-related condition. Last evaluated: 2024-06-26. Review status: no assertion criteria provided. Collection method: clinical testing. Allele origin: germline. Not counted in ClinVar's aggregate classification.
Comment: This variant is classified as benign based on ACMG/AMP sequence variant interpretation guidelines (Richards et al. 2015 PMID: 25741868, with internal and published modifications).